The following is an entry in ClinVar:

NM_001372106.1(DNAH10):c.4757C>A (p.Ser1586Tyr)

Gene: DNAH10 (dynein axonemal heavy chain 10; plus strand). Cytogenetic location: 12q24.31.
Variant type: single nucleotide variant.
Coding change: c.4757C>A on transcript NM_001372106.1 (MANE Select); coding-DNA position 4757, C replaced by A.
Protein change: p.Ser1586Tyr; replaces serine 1586 with tyrosine.
Molecular consequence: missense variant.
Genome position (GRCh38, 1-based): chr12:123,833,325, C>A. VCF-style: chr12-123833325-C-A. GRCh37 (hg19) VCF-style: chr12-124317872-C-A.
Other names: c.4403C>A, p.Ser1468Tyr (NM_207437.3); short protein forms S1468Y, S1586Y.
Identifiers: ClinVar variation 3840774 (VCV003840774.2).

ClinVar aggregate classification (germline): Uncertain significance. Review status: criteria provided, multiple submitters, no conflicts (2 of 4 stars). 2 submissions from 2 submitters: Uncertain significance (2). Last evaluated 2026-02-20.

gnomAD v4.1: 17 of 1,612,278 alleles (0.0011%); highest among the groups gnomAD compares: Non-Finnish European, 0.0014%; no homozygotes.

Submissions (2):

GeneDx
Classification: Uncertain significance. Last evaluated: 2026-02-20. Review status: criteria provided, single submitter. Criteria: GeneDx Variant Classification Process June 2021. Collection method: clinical testing. Allele origin: germline.
Comment: Not observed at significant frequency in large population cohorts (gnomAD); In silico analysis supports that this missense variant has a deleterious effect on protein structure/function; Has not been previously published as pathogenic or benign to our knowledge

Ambry Genetics
Classification: Uncertain significance. Last evaluated: 2025-02-24. Review status: criteria provided, single submitter. Criteria: Ambry Variant Classification Scheme 2023. Collection method: clinical testing. Allele origin: germline.